The following is an entry in ClinVar:

NM_000059.4(BRCA2):c.4354C>G (p.Gln1452Glu)

Gene: BRCA2 (BRCA2 DNA repair associated; plus strand). Cytogenetic location: 13q13.1.
Variant type: single nucleotide variant.
Coding change: c.4354C>G on transcript NM_000059.4 (MANE Select); coding-DNA position 4354, C replaced by G.
Protein change: p.Gln1452Glu; replaces glutamine 1452 with glutamic acid.
Molecular consequence: missense variant.
Genome position (GRCh38, 1-based): chr13:32,338,709, C>G. VCF-style: chr13-32338709-C-G. GRCh37 (hg19) VCF-style: chr13-32912846-C-G.
Other names: 4582C>G; short protein forms Q1452E.
Identifiers: ClinVar variation 96806 (VCV000096806.23), dbSNP rs431825319, ClinGen allele CA020031.

ClinVar aggregate classification (germline): Conflicting classifications of pathogenicity. Review status: criteria provided, conflicting classifications (1 of 4 stars). 7 submissions from 7 submitters: Uncertain significance (5); Likely benign (1). 1 of the submissions does not count toward it. Last evaluated 2024-05-13.

Conditions:
Hereditary cancer-predisposing syndrome. Also called: Hereditary Cancer Syndrome; Neoplastic Syndromes, Hereditary; Hereditary neoplastic syndrome; Tumor predisposition. Identifiers: Orphanet 140162, MedGen C0027672, MeSH D009386, MONDO:0015356.
Hereditary breast ovarian cancer syndrome. Also called: Breast and ovarian cancer; Hereditary breast and/or ovarian cancer syndrome; Hereditary breast and ovarian cancer; Hereditary breast and ovarian cancer syndrome; Hereditary breast and ovarian cancer syndrome (HBOC); BRCA1- and BRCA2-Associated Hereditary Breast and Ovarian Cancer. Identifiers: Orphanet 145, MedGen C0677776, MeSH D061325, MONDO:0003582. Disease mechanism: loss of function.
Breast-ovarian cancer, familial, susceptibility to, 2 (BROVCA2). Also called: BRCA2 Hereditary Breast and Ovarian Cancer. Identifiers: Orphanet 145, MedGen C2675520, MONDO:0012933, OMIM 612555. Disease mechanism: loss of function.

Allele frequency attached by ClinVar (database versions not stated): gnomAD exomes below 0.00001; gnomAD 0.00001; 1000 Genomes Project 30x 0.00016; 1000 Genomes Project 0.00020.
gnomAD v4.1: 1 of 1,594,430 alleles (0.000063%); highest among the groups gnomAD compares: Non-Finnish European, 0.000086%; no homozygotes.

Submissions (7):

Color Diagnostics, LLC DBA Color Health
Classification: Uncertain significance for Hereditary cancer-predisposing syndrome. Last evaluated: 2024-05-13. Review status: criteria provided, single submitter. Criteria: ACMG Guidelines, 2015. Collection method: clinical testing. Allele origin: germline.
Comment: This missense variant replaces glutamine with glutamic acid at codon 1452 of the BRCA2 protein. Computational prediction suggests that this variant may not impact protein structure and function. To our knowledge, functional studies have not been reported for this variant. This variant has not been reported in individuals affected with BRCA2-related disorders in the literature. This variant has been identified in 1/242216 chromosomes in the general population by the Genome Aggregation Database (gnomAD). The available evidence is insufficient to determine the role of this variant in disease conclusively. Therefore, this variant is classified as a Variant of Uncertain Significance.

Women's Health and Genetics/Laboratory Corporation of America, LabCorp
Classification: Uncertain significance. Last evaluated: 2023-10-18. Review status: criteria provided, single submitter. Criteria: LabCorp Variant Classification Summary - May 2015. Collection method: clinical testing. Allele origin: germline.

Labcorp Genetics (formerly Invitae), Labcorp
Classification: Uncertain significance for Hereditary breast ovarian cancer syndrome. Last evaluated: 2023-08-25. Review status: criteria provided, single submitter. Criteria: Invitae Variant Classification Sherloc (09022015). Collection method: clinical testing. Allele origin: germline.
Comment: In summary, the available evidence is currently insufficient to determine the role of this variant in disease. Therefore, it has been classified as a Variant of Uncertain Significance. Advanced modeling of protein sequence and biophysical properties (such as structural, functional, and spatial information, amino acid conservation, physicochemical variation, residue mobility, and thermodynamic stability) performed at Invitae indicates that this missense variant is not expected to disrupt BRCA2 protein function. ClinVar contains an entry for this variant (Variation ID: 96806). This variant has not been reported in the literature in individuals affected with BRCA2-related conditions. This variant is not present in population databases (gnomAD no frequency). This sequence change replaces glutamine, which is neutral and polar, with glutamic acid, which is acidic and polar, at codon 1452 of the BRCA2 protein (p.Gln1452Glu).

University of Washington Department of Laboratory Medicine, University of Washington
Classification: Likely benign for Hereditary cancer-predisposing syndrome. Last evaluated: 2023-03-23. Review status: criteria provided, single submitter. Criteria: Dines et al. (Genet Med. 2020). Collection method: curation. Allele origin: germline.
Comment: Missense variant in a coldspot region where missense variants are very unlikely to be pathogenic (PMID:31911673).

BRCA2 exon 11 coldspot. Reclassification based on statistical prior probability.

All of Us Research Program, National Institutes of Health
Classification: Uncertain significance for Breast-ovarian cancer, familial, susceptibility to, 2. Last evaluated: 2022-12-16. Review status: criteria provided, single submitter. Criteria: ACMG Guidelines, 2015. Collection method: clinical testing. Allele origin: germline. Inheritance: Autosomal dominant inheritance. Observed: 1 variant allele, 1 heterozygote.
Comment: This study involves interpretation of variants in research participants for the purpose of population health screening. Participant phenotype was not available at the time of variant classification. Additional details can be found in publication PMID: 35346344, PMCID: PMC8962531

Ambry Genetics
Classification: Uncertain significance for Hereditary cancer-predisposing syndrome. Last evaluated: 2015-02-26. Review status: criteria provided, single submitter. Criteria: Ambry Variant Classification Scheme 2023. Collection method: clinical testing. Allele origin: germline.
Comment: The p.Q1452E variant (also known as c.4354C>G or 4582C>G), located in coding exon 10 of the BRCA2 gene, results from a C to G substitution at nucleotide position 4354. The glutamine at codon 1452 is replaced by glutamic acid, an amino acid with highly similar properties. This alteration has been previously reported and classified as variant of uncertain significance in the ClinVar database by the Sharing Clinical Reports Project (SCRP) (available from ClinVar. Accessed 02/25/2015). This variant was not reported in population based cohorts in the following databases: Database of Single Nucleotide Polymorphisms (dbSNP), NHLBI Exome Sequencing Project (ESP), and 1000 Genomes Project. In the ESP, this variant was not observed in 6480 samples (12960 alleles) with coverage of 6,480 at this position. To date, this alteration has been detected with an allele frequency of approximately 0.001% (greater than 105000 alleles tested) in our clinical cohort. This amino acid position is poorly conserved in available vertebrate species with E as the reference allele in several species. In addition, this alteration is predicted to be tolerated by in silico analysis. Since supporting evidence is limited at this time, the clinical significance of p.Q1452E remains unclear.

Sharing Clinical Reports Project (SCRP)
Classification: Uncertain significance for Breast-ovarian cancer, familial 2. Last evaluated: 2011-12-02. Review status: no assertion criteria provided. Collection method: clinical testing. Allele origin: germline. Not counted in ClinVar's aggregate classification.